The following is an entry in ClinVar:

NM_198904.4(GABRG2):c.1389G>A (p.Leu463=)

Gene: GABRG2 (gamma-aminobutyric acid type A receptor subunit gamma2; plus strand). Cytogenetic location: 5q34.
Variant type: single nucleotide variant.
Coding change: c.1389G>A on transcript NM_198904.4 (MANE Select); coding-DNA position 1389, G replaced by A.
Protein change: p.Leu463=; no amino-acid change (leucine 463 retained).
Molecular consequence: synonymous variant. On other transcripts: 3 prime UTR variant (1).
Genome position (GRCh38, 1-based): chr5:162,153,329, G>A. VCF-style: chr5-162153329-G-A. GRCh37 (hg19) VCF-style: chr5-161580335-G-A.
Other names: c.1365G>A, p.Leu455= (NM_000816.3); c.1380G>A, p.Leu460= (NM_001375339.1); c.*223G>A (NM_001375340.1); c.1386G>A, p.Leu462= (NM_001375341.1); c.1362G>A, p.Leu454= (NM_001375342.1); c.1485G>A, p.Leu495= (NM_001375343.1); c.1428G>A, p.Leu476= (NM_001375344.1); c.1299G>A, p.Leu433= (NM_001375345.1); and 6 more.
Identifiers: ClinVar variation 352644 (VCV000352644.9), dbSNP rs765904792, ClinGen allele CA3544996.

ClinVar aggregate classification (germline): Conflicting classifications of pathogenicity. Review status: criteria provided, conflicting classifications (1 of 4 stars). 3 submissions from 3 submitters: Uncertain significance (1); Likely benign (2). Last evaluated 2025-06-18.

Conditions:
EPILEPSY, CHILDHOOD ABSENCE, SUSCEPTIBILITY TO, 2 (ECA2). Identifiers: Orphanet 64280, MedGen C1843244, OMIM 607681.
Febrile seizures, familial, 8 (FEB8). Also called: CONVULSIONS, FAMILIAL FEBRILE, 8. Identifiers: Orphanet 36387, MedGen C1969810, MONDO:0011891, OMIM 607681.

Allele frequency attached by ClinVar (database versions not stated): gnomAD 0.00001; TOPMed 0.00007; gnomAD exomes below 0.00001; ExAC 0.00001.
gnomAD v4.1: 4 of 1,613,852 alleles (0.00025%); highest among the groups gnomAD compares: Admixed American, 0.005%; no homozygotes.

Submissions (3):

Labcorp Genetics (formerly Invitae), Labcorp
Classification: Likely benign for Febrile seizures, familial, 8; EPILEPSY, CHILDHOOD ABSENCE, SUSCEPTIBILITY TO, 2. Last evaluated: 2025-06-18. Review status: criteria provided, single submitter. Criteria: Invitae Variant Classification Sherloc (09022015). Collection method: clinical testing. Allele origin: germline.

GeneDx
Classification: Likely benign. Last evaluated: 2018-01-18. Review status: criteria provided, single submitter. Criteria: GeneDx Variant Classification (06012015). Collection method: clinical testing. Allele origin: germline. Affected: yes.
Comment: This variant is considered likely benign or benign based on one or more of the following criteria: it is a conservative change, it occurs at a poorly conserved position in the protein, it is predicted to be benign by multiple in silico algorithms, and/or has population frequency not consistent with disease.

Illumina Laboratory Services, Illumina
Classification: Uncertain significance for Febrile seizures, familial, 8. Last evaluated: 2018-01-12. Review status: criteria provided, single submitter. Criteria: ICSL Variant Classification Criteria 13 December 2019. Collection method: clinical testing. Allele origin: germline.